The following is an entry in ClinVar:

NM_000391.4(TPP1):c.474G>T (p.Gln158His)

Gene: TPP1 (tripeptidyl peptidase 1; minus strand). Cytogenetic location: 11p15.4.
Variant type: single nucleotide variant.
Coding change: c.474G>T on transcript NM_000391.4 (MANE Select); coding-DNA position 474, G replaced by T.
Protein change: p.Gln158His; replaces glutamine 158 with histidine.
Molecular consequence: missense variant.
Genome position (GRCh38, 1-based): chr11:6,617,335, C>A on the plus strand (G>T on the coding strand, the complement: TPP1 is on the minus strand). VCF-style: chr11-6617335-C-A. GRCh37 (hg19) VCF-style: chr11-6638566-C-A.
Other names: short protein forms Q158H.
Identifiers: ClinVar variation 1993084 (VCV001993084.4), dbSNP rs1212352552, ClinGen allele CA379475756.

ClinVar aggregate classification (germline): Uncertain significance (1 of 4 stars; one submission).

Submission:

Labcorp Genetics (formerly Invitae), Labcorp
Classification: Uncertain significance. Last evaluated: 2022-06-15. Review status: criteria provided, single submitter. Criteria: Invitae Variant Classification Sherloc (09022015). Collection method: clinical testing. Allele origin: germline.
Comment: In summary, the available evidence is currently insufficient to determine the role of this variant in disease. Therefore, it has been classified as a Variant of Uncertain Significance. This sequence change replaces glutamine, which is neutral and polar, with histidine, which is basic and polar, at codon 158 of the TPP1 protein (p.Gln158His). This variant is not present in population databases (gnomAD no frequency). This variant has not been reported in the literature in individuals affected with TPP1-related conditions. Advanced modeling of protein sequence and biophysical properties (such as structural, functional, and spatial information, amino acid conservation, physicochemical variation, residue mobility, and thermodynamic stability) performed at Invitae indicates that this missense variant is not expected to disrupt TPP1 protein function.